The following is an entry in ClinVar:

NC_000002.11:g.(?_135888102)_(135926351_?)del

Gene: RAB3GAP1 (RAB3 GTPase activating protein catalytic subunit 1; plus strand). Cytogenetic location: 2q21.3.
Variant type: Deletion.
Identifiers: ClinVar variation 1453806 (VCV001453806.6).

ClinVar aggregate classification (germline): Pathogenic (1 of 4 stars; one submission).

Submission:

Labcorp Genetics (formerly Invitae), Labcorp
Classification: Pathogenic. Last evaluated: 2021-06-16. Review status: criteria provided, single submitter. Criteria: Invitae Variant Classification Sherloc (09022015). Collection method: clinical testing. Allele origin: germline.
Comment: For these reasons, this variant has been classified as Pathogenic. This variant disrupts the C-terminus of the RAB3GAP1 protein. Other variant(s) that disrupt this region (Deletion exon 24, p.Pro956Phefs*15) have been observed in individuals with RAB3GAP1-related conditions (PMID: 23420520). This suggests that this may be a clinically significant region of the protein. This variant has been observed in individual(s) with clinical features of RAB3GAP1-related conditions (Invitae). In at least one individual the data is consistent with the variant being in trans (on the opposite chromosome) from a pathogenic variant. This variant is a gross deletion of the genomic region encompassing exon(s) 13-24 of the RAB3GAP1 gene. The 5' boundary is likely confined to intron 12. The 3' end of this event is unknown as it extends through the termination codon beyond the assayed region for this gene and may encompass additional genes. While this deletion is not anticipated to lead to nonsense mediated decay, it is expected to alter mRNA translation or result in a truncated protein product.

Literature cited by the submitters: PubMed 23420520.